The following is an entry in ClinVar:

NM_017909.4(RMND1):c.504+46C>T

Gene: RMND1 (required for meiotic nuclear division 1 homolog; minus strand). Cytogenetic location: 6q25.1.
Variant type: single nucleotide variant.
Coding change: c.504+46C>T on transcript NM_017909.4 (MANE Select); 46 bases into the intron after coding-DNA position 504, C replaced by T.
Molecular consequence: intron variant.
Genome position (GRCh38, 1-based): chr6:151,445,262, G>A on the plus strand (C>T on the coding strand, the complement: RMND1 is on the minus strand). VCF-style: chr6-151445262-G-A. GRCh37 (hg19) VCF-style: chr6-151766397-G-A.
Other names: c.-7+6754C>T (NM_001271937.2).
Identifiers: ClinVar variation 673482 (VCV000673482.1), dbSNP rs73783025, ClinGen allele CA4051016.
Genomic context (GRCh38, chr6:151,445,262, plus strand): 5'-GACTGCTAGTTCTCTTACGTTGGCGGTAAGGCTGGGGTGCAACGCACACTGGTTTAGCAT[G>A]AGCAATGATCACTAAGCACGAGAGCCACGGCCACCCCTACTTTACCTCGTTCACAGACAG-3'

ClinVar aggregate classification (germline): Benign (1 of 4 stars; one submission).

Allele frequency attached by ClinVar (database versions not stated): gnomAD exomes 0.05718 and 0.06884; ExAC 0.06894; ESP Exome Variant Server 0.07889; gnomAD 0.08361 and 0.08410; TOPMed 0.08418; 1000 Genomes Project 30x 0.11071; 1000 Genomes Project 0.11262.
gnomAD v4.1: 93,280 of 1,556,494 alleles (6%); highest among the groups gnomAD compares: African/African-American, 15%; 3,506 homozygotes.

Submission:

GeneDx
Classification: Benign. Last evaluated: 2018-06-14. Review status: criteria provided, single submitter. Criteria: GeneDx Variant Classification (06012015). Collection method: clinical testing. Allele origin: germline. Affected: yes.
Comment: This variant is considered likely benign or benign based on one or more of the following criteria: it is a conservative change, it occurs at a poorly conserved position in the protein, it is predicted to be benign by multiple in silico algorithms, and/or has population frequency not consistent with disease.